The following is an entry in ClinVar:

ClinVar aggregate classification (germline): Benign/Likely benign. Review status: criteria provided, multiple submitters, no conflicts (2 of 4 stars). 4 submissions from 4 submitters: Benign (1); Likely benign (3). Last evaluated 2026-07-14.

Conditions:
Hereditary cancer-predisposing syndrome. Also called: Hereditary Cancer Syndrome; Tumor predisposition; Hereditary neoplastic syndrome; Neoplastic Syndromes, Hereditary. Identifiers: Orphanet 140162, MedGen C0027672, MeSH D009386, MONDO:0015356.
Rhabdoid tumor predisposition syndrome 2 (RTPS2). Identifiers: Orphanet 231108, Orphanet 69077, MedGen C2750074, MONDO:0013224, OMIM 613325.

Allele frequency attached by ClinVar (database versions not stated): gnomAD exomes below 0.00001; gnomAD 0.00001.
gnomAD v4.1: 7 of 1,612,846 alleles (0.00043%); highest among the groups gnomAD compares: Non-Finnish European, 0.00059%; no homozygotes.

Submissions (4):

Myriad Genetics, Inc.
Classification: Benign for Rhabdoid tumor predisposition syndrome 2. Last evaluated: 2026-07-14. Review status: criteria provided, single submitter. Criteria: Myriad Autosomal Dominant, Autosomal Recessive and X-Linked Classification Criteria (2023). Collection method: clinical testing. Allele origin: unknown.
Comment: This variant is considered benign. This variant is a silent/synonymous amino acid change and it is not expected to impact splicing.

Labcorp Genetics (formerly Invitae), Labcorp
Classification: Likely benign for Rhabdoid tumor predisposition syndrome 2. Last evaluated: 2025-03-03. Review status: criteria provided, single submitter. Criteria: Invitae Variant Classification Sherloc (09022015). Collection method: clinical testing. Allele origin: germline.

Blueprint Genetics
Classification: Likely benign. Last evaluated: 2021-04-12. Review status: criteria provided, single submitter. Criteria: ACMG Guidelines, 2015. Collection method: clinical testing. Allele origin: germline.

Ambry Genetics
Classification: Likely benign for Hereditary cancer-predisposing syndrome. Last evaluated: 2019-05-29. Review status: criteria provided, single submitter. Criteria: Ambry Variant Classification Scheme 2023. Collection method: clinical testing. Allele origin: germline.

NM_003072.5(SMARCA4):c.3048G>A (p.Val1016=)

Gene: SMARCA4 (SWI/SNF related BAF chromatin remodeling complex subunit ATPase 4; plus strand). Cytogenetic location: 19p13.2.
Variant type: single nucleotide variant.
Coding change: c.3048G>A on transcript NM_003072.5 (MANE Select); coding-DNA position 3048, G replaced by A.
Protein change: p.Val1016=; no amino-acid change (valine 1016 retained).
Molecular consequence: synonymous variant. On other transcripts: non-coding transcript variant (1).
Genome position (GRCh38, 1-based): chr19:11,024,405, G>A. VCF-style: chr19-11024405-G-A. GRCh37 (hg19) VCF-style: chr19-11135081-G-A.
Other names: c.3048G>A, p.Val1016= (NM_001128844.3, NM_001128845.2, NM_001128846.2 and 5 more transcripts).
Identifiers: ClinVar variation 238421 (VCV000238421.18), dbSNP rs878854212, ClinGen allele CA10583742.